The following is an entry in ClinVar:

NM_177438.3(DICER1):c.3248G>T (p.Arg1083Ile)

Gene: DICER1 (dicer 1, ribonuclease III; minus strand). Cytogenetic location: 14q32.13.
Variant type: single nucleotide variant.
Coding change: c.3248G>T on transcript NM_177438.3 (MANE Select); coding-DNA position 3248, G replaced by T.
Protein change: p.Arg1083Ile; replaces arginine 1083 with isoleucine.
Molecular consequence: missense variant.
Genome position (GRCh38, 1-based): chr14:95,105,092, C>A on the plus strand (G>T on the coding strand, the complement: DICER1 is on the minus strand). VCF-style: chr14-95105092-C-A. GRCh37 (hg19) VCF-style: chr14-95571429-C-A.
Other names: c.3248G>T, p.Arg1083Ile (NM_001195573.1, NM_001271282.3, NM_001291628.2 and 1 more transcripts); short protein forms R1083I.
Identifiers: ClinVar variation 1494926 (VCV001494926.9), dbSNP rs1060503616, ClinGen allele CA390876328.
Genomic context (GRCh38, chr14:95,105,092, plus strand): 5'-CATGATCTGTGTTCTTTCTGGCTGACTGCACAGGCATACCTAAAATCCGCAGGAAGTGAT[C>A]TGACTCCCACGCCAGCATCGCTGGCAGTCTGGGCTCTTAGCTCCTCTGCAGTCAAAAGGC-3'
Protein context (NP_803187.1, residues 1073-1093): QTASDAGVGV[Arg1083Ile]SLPADFRYPN

ClinVar aggregate classification (germline): Uncertain significance (1 of 4 stars; one submission).

Conditions:
DICER1-related tumor predisposition. Also called: DICER1-related pleuropulmonary blastoma cancer predisposition syndrome; DICER1 syndrome. Identifiers: Orphanet 284343, MedGen C3839822, MONDO:0100216.

Submission:

Labcorp Genetics (formerly Invitae), Labcorp
Classification: Uncertain significance for DICER1-related tumor predisposition. Last evaluated: 2020-10-28. Review status: criteria provided, single submitter. Criteria: Invitae Variant Classification Sherloc (09022015). Collection method: clinical testing. Allele origin: germline.
Comment: In summary, the available evidence is currently insufficient to determine the role of this variant in disease. Therefore, it has been classified as a Variant of Uncertain Significance. Algorithms developed to predict the effect of missense changes on protein structure and function (SIFT, PolyPhen-2, Align-GVGD) all suggest that this variant is likely to be tolerated, but these predictions have not been confirmed by published functional studies and their clinical significance is uncertain. This variant has not been reported in the literature in individuals with DICER1-related conditions. This variant is not present in population databases (ExAC no frequency). This sequence change replaces arginine with isoleucine at codon 1083 of the DICER1 protein (p.Arg1083Ile). The arginine residue is weakly conserved and there is a moderate physicochemical difference between arginine and isoleucine.